The following is an entry in ClinVar:

ClinVar aggregate classification (germline): Conflicting classifications of pathogenicity. Review status: criteria provided, conflicting classifications (1 of 4 stars). 5 submissions from 4 submitters: Uncertain significance (2); Likely benign (1). 2 of the submissions do not count toward it. Last evaluated 2024-09-11.

Conditions:
LTBP4-related disorder. Also called: LTBP4-related condition.

Allele frequency attached by ClinVar (database versions not stated): ESP Exome Variant Server 0.00008; gnomAD 0.00015 and 0.00017; TOPMed 0.00015; ExAC 0.00022; 1000 Genomes Project 30x 0.00047; 1000 Genomes Project 0.00060.
gnomAD v4.1: 116 of 1,600,402 alleles (0.0072%); highest among the groups gnomAD compares: East Asian, 0.079%; 1 homozygote.

Submissions (5):

Blueprint Genetics
Classification: Uncertain significance. Last evaluated: 2024-09-11. Review status: criteria provided, single submitter. Criteria: ACMG Guidelines, 2015. Collection method: clinical testing. Allele origin: germline.

Labcorp Genetics (formerly Invitae), Labcorp
Classification: Uncertain significance. Last evaluated: 2022-08-11. Review status: criteria provided, single submitter. Criteria: Invitae Variant Classification Sherloc (09022015). Collection method: clinical testing. Allele origin: germline.
Comment: This sequence change replaces valine with methionine at codon 1323 of the LTBP4 protein (p.Val1323Met). The valine residue is highly conserved and there is a small physicochemical difference between valine and methionine. This variant is present in population databases (rs376368630, gnomAD 0.1%). This variant has not been reported in the literature in individuals affected with LTBP4-related conditions. ClinVar contains an entry for this variant (Variation ID: 373595). In summary, the available evidence is currently insufficient to determine the role of this variant in disease. Therefore, it has been classified as a Variant of Uncertain Significance.

GeneDx
Classification: Likely benign. Last evaluated: 2021-02-04. Review status: criteria provided, single submitter. Criteria: GeneDx Variant Classification Process June 2021. Collection method: clinical testing. Allele origin: germline. Affected: yes.

PreventionGenetics, part of Exact Sciences
Classification: Likely benign for LTBP4-related condition. Last evaluated: 2023-09-20. Review status: no assertion criteria provided. Collection method: clinical testing. Allele origin: germline. Not counted in ClinVar's aggregate classification.
Comment: This variant is classified as likely benign based on ACMG/AMP sequence variant interpretation guidelines (Richards et al. 2015 PMID: 25741868, with internal and published modifications).

GeneDx
Classification: Uncertain significance. Last evaluated: 2016-11-29. Review status: flagged submission. Criteria: GeneDx Variant Classification (06012015). Collection method: clinical testing. Allele origin: germline. Affected: yes. Not counted in ClinVar's aggregate classification.
Comment: A variant of uncertain significance has been identified in the LTBP4 gene. The V1323M variant has not beenpublished as a pathogenic variant, nor has it been reported as a benign variant to our knowledge. It was not observedwith any significant frequency in approximately 6,500 individuals of European and African American ancestry in theNHLBI Exome Sequencing Project. However, the Exome Aggregation Consortium (ExAC) and the 1000 GenomesProject report V1323M was observed at a frequency of approximately 0.2% (7/4134 alleles and 2/1008 alleles,respectively) in individuals of East Asian ancestry, indicating V1323M may be a rare benign variant in thispopulation. In addition, the V1323M variant is a conservative amino acid substitution, which is not likely to impactsecondary protein structure as these residues share similar properties. Moreover, this substitution occurs at a positionwhere amino acids with similar properties to valine (V) are tolerated across species, and methionine (M) is observedas wild type in several species. Nonetheless, in silico analysis is inconsistent in its predictions as to whether or notthe variant is damaging to the protein structure/function.
ClinVar note: Reason: This record appears to be redundant with a more recent record from the same submitter.
ClinVar note: Notes: SCV000492203 appears to be redundant with SCV001767392.

NM_001042545.2(LTBP4):c.3877G>A (p.Val1293Met)

Gene: LTBP4 (latent transforming growth factor beta binding protein 4; plus strand). Cytogenetic location: 19q13.2.
Variant type: single nucleotide variant.
Coding change: c.3877G>A on transcript NM_001042545.2 (MANE Select); coding-DNA position 3877, G replaced by A.
Protein change: p.Val1293Met; replaces valine 1293 with methionine.
Molecular consequence: missense variant.
Genome position (GRCh38, 1-based): chr19:40,625,901, G>A. VCF-style: chr19-40625901-G-A. GRCh37 (hg19) VCF-style: chr19-41131806-G-A.
Other names: c.4078G>A, p.Val1360Met (NM_001042544.1); c.3967G>A, p.Val1323Met (NM_003573.2); short protein forms V1293M, V1323M, V1360M.
Identifiers: ClinVar variation 373595 (VCV000373595.9), dbSNP rs376368630, ClinGen allele CA9449167.